The following is an entry in ClinVar:

NM_016219.5(MAN1B1):c.1146A>G (p.Gly382=)

Gene: MAN1B1 (mannosidase alpha class 1B member 1; plus strand). Cytogenetic location: 9q34.3.
Variant type: single nucleotide variant.
Coding change: c.1146A>G on transcript NM_016219.5 (MANE Select); coding-DNA position 1146, A replaced by G.
Protein change: p.Gly382=; no amino-acid change (glycine 382 retained).
Molecular consequence: synonymous variant. On other transcripts: non-coding transcript variant (2).
Genome position (GRCh38, 1-based): chr9:137,101,564, A>G. VCF-style: chr9-137101564-A-G. GRCh37 (hg19) VCF-style: chr9-139996016-A-G.
Identifiers: ClinVar variation 588742 (VCV000588742.24), dbSNP rs113389928, ClinGen allele CA5358927.
Genomic context (GRCh38, chr9:137,101,564, plus strand): 5'-AATGCCTGCCTTCAGAACACCATCCAAGATTCCTTACTCGGATGTGAACATCGGTACTGG[A>G]GTTGCCCACCCGCCACGGTGGACCTCCGACAGCACTGTGGCCGAGGTGACCAGCATTCAG-3'
Protein context (NP_057303.2, residues 372-392): IPYSDVNIGT[Gly382=]VAHPPRWTSD

ClinVar aggregate classification (germline): Benign/Likely benign. Review status: criteria provided, multiple submitters, no conflicts (2 of 4 stars). 5 submissions from 5 submitters: Benign (2); Likely benign (3). Last evaluated 2025-12-20.

Conditions:
Inborn genetic diseases. Identifiers: MedGen C0950123, MeSH D030342.
Rafiq syndrome (RAFQS). Identifiers: Orphanet 88616, MedGen C3280127, MONDO:0013624, OMIM 614202.

Allele frequency attached by ClinVar (database versions not stated): gnomAD exomes 0.00081; ExAC 0.00098; ESP Exome Variant Server 0.00292; gnomAD 0.00317 and 0.00340; TOPMed 0.00343; 1000 Genomes Project 0.00359; 1000 Genomes Project 30x 0.00375.
gnomAD v4.1: 941 of 1,613,850 alleles (0.058%); highest among the groups gnomAD compares: African/African-American, 1.1%; 7 homozygotes.

Submissions (5):

Labcorp Genetics (formerly Invitae), Labcorp
Classification: Benign for Rafiq syndrome. Last evaluated: 2025-12-20. Review status: criteria provided, single submitter. Criteria: Invitae Variant Classification Sherloc (09022015). Collection method: clinical testing. Allele origin: germline.

Illumina Laboratory Services, Illumina
Classification: Likely benign for Rafiq syndrome. Last evaluated: 2018-01-12. Review status: criteria provided, single submitter. Criteria: ICSL Variant Classification Criteria 13 December 2019. Collection method: clinical testing. Allele origin: germline.
Comment: This variant was observed in the ICSL laboratory as part of a predisposition screen in an ostensibly healthy population. It had not been previously curated by ICSL or reported in the Human Gene Mutation Database (HGMD: prior to June 1st, 2018), and was therefore a candidate for classification through an automated scoring system. Utilizing variant allele frequency, disease prevalence and penetrance estimates, and inheritance mode, an automated score was calculated to assess if this variant is too frequent to cause the disease. Based on the score and internal cut-off values, a variant classified as likely benign is not then subjected to further curation. The score for this variant resulted in a classification of likely benign for this disease.

Genetic Services Laboratory, University of Chicago
Classification: Benign. Last evaluated: 2017-12-29. Review status: criteria provided, single submitter. Criteria: ACMG Guidelines, 2015. Collection method: clinical testing. Allele origin: germline. Affected: no.

Ambry Genetics
Classification: Likely benign for Inborn genetic diseases. Last evaluated: 2016-11-09. Review status: criteria provided, single submitter. Criteria: Ambry Variant Classification Scheme 2023. Collection method: clinical testing. Allele origin: germline.

Breakthrough Genomics
Classification: Likely benign. Review status: criteria provided, single submitter. Criteria: ACMG Guidelines, 2015. Collection method: not provided. Allele origin: germline. Inheritance: Autosomal recessive inheritance. Affected: yes.